The following is an entry in ClinVar:

NM_021620.4(PRDM13):c.1256G>C (p.Arg419Pro)

Gene: PRDM13 (PR/SET domain 13; plus strand). Cytogenetic location: 6q16.2.
Variant type: single nucleotide variant.
Coding change: c.1256G>C on transcript NM_021620.4 (MANE Select); coding-DNA position 1256, G replaced by C.
Protein change: p.Arg419Pro; replaces arginine 419 with proline.
Molecular consequence: missense variant.
Genome position (GRCh38, 1-based): chr6:99,613,891, G>C. VCF-style: chr6-99613891-G-C. GRCh37 (hg19) VCF-style: chr6-100061767-G-C.
Other names: short protein forms R419P.
Identifiers: ClinVar variation 2855178 (VCV002855178.3), dbSNP rs1401332477, ClinGen allele CA365118021.

ClinVar aggregate classification (germline): Uncertain significance (1 of 4 stars; one submission).

Submission:

Labcorp Genetics (formerly Invitae), Labcorp
Classification: Uncertain significance. Last evaluated: 2023-04-11. Review status: criteria provided, single submitter. Criteria: Invitae Variant Classification Sherloc (09022015). Collection method: clinical testing. Allele origin: germline.
Comment: In summary, the available evidence is currently insufficient to determine the role of this variant in disease. Therefore, it has been classified as a Variant of Uncertain Significance. An algorithm developed to predict the effect of missense changes on protein structure and function (PolyPhen-2) suggests that this variant is likely to be disruptive. This variant has not been reported in the literature in individuals affected with PRDM13-related conditions. This variant is not present in population databases (gnomAD no frequency). This sequence change replaces arginine, which is basic and polar, with proline, which is neutral and non-polar, at codon 419 of the PRDM13 protein (p.Arg419Pro).